The following is an entry in ClinVar:

NM_003001.5(SDHC):c.66C>T (p.Leu22=)

Gene: SDHC (succinate dehydrogenase complex subunit C; plus strand). Cytogenetic location: 1q23.3.
Variant type: single nucleotide variant.
Coding change: c.66C>T on transcript NM_003001.5 (MANE Select); coding-DNA position 66, C replaced by T.
Protein change: p.Leu22=; no amino-acid change (leucine 22 retained).
Molecular consequence: synonymous variant. On other transcripts: 5 prime UTR variant (2), non-coding transcript variant (1), intron variant (4).
Genome position (GRCh38, 1-based): chr1:161,323,659, C>T. VCF-style: chr1-161323659-C-T. GRCh37 (hg19) VCF-style: chr1-161293449-C-T.
Other names: c.66C>T, p.Leu22= (NM_001035511.3, NM_001035512.3, NM_001278172.3 and 2 more transcripts); c.-46C>T (NM_001407119.1); c.-164C>T (NM_001407120.1); c.21-4737C>T (NM_001407116.1, NM_001407121.1, NM_001407117.1); c.20+9234C>T (NM_001035513.3).
Identifiers: ClinVar variation 1083283 (VCV001083283.13), dbSNP rs778965036, ClinGen allele CA048117.

ClinVar aggregate classification (germline): Benign/Likely benign. Review status: criteria provided, multiple submitters, no conflicts (2 of 4 stars). 3 submissions from 3 submitters: Benign (1); Likely benign (2). Last evaluated 2025-03-14.

Conditions:
Pheochromocytoma/paraganglioma syndrome 3. Also called: Paragangliomas 3; SDHC-Related Hereditary Paraganglioma-Pheochromocytoma Syndrome (Paragangliomas 3); SDHC-Related Hereditary Paraganglioma-Pheochromocytoma Syndrome; GLOMUS TUMORS, FAMILIAL, 3. Identifiers: Orphanet 29072, MedGen C1854336, MONDO:0011544, OMIM 605373.
Gastrointestinal stromal tumor. Also called: Gastrointestinal stroma tumor; Gastrointestinal stromal tumor, somatic. Identifiers: Orphanet 44890, MedGen C0238198, MeSH D046152, MONDO:0011719, OMIM 606764, HP:0100723.
Hereditary cancer-predisposing syndrome. Also called: Neoplastic Syndromes, Hereditary; Hereditary Cancer Syndrome; Hereditary neoplastic syndrome; Tumor predisposition. Identifiers: Orphanet 140162, MedGen C0027672, MeSH D009386, MONDO:0015356.

Allele frequency attached by ClinVar (database versions not stated): gnomAD exomes below 0.00001; ExAC 0.00001.

Submissions (3):

Myriad Genetics, Inc.
Classification: Benign for Pheochromocytoma/paraganglioma syndrome 3. Last evaluated: 2025-03-14. Review status: criteria provided, single submitter. Criteria: Myriad Autosomal Dominant, Autosomal Recessive and X-Linked Classification Criteria (2023). Collection method: clinical testing. Allele origin: unknown.
Comment: This variant is considered benign. This variant is a silent/synonymous amino acid change and it is not expected to impact splicing.

Labcorp Genetics (formerly Invitae), Labcorp
Classification: Likely benign for Pheochromocytoma/paraganglioma syndrome 3; Gastrointestinal stromal tumor. Last evaluated: 2023-10-22. Review status: criteria provided, single submitter. Criteria: Invitae Variant Classification Sherloc (09022015). Collection method: clinical testing. Allele origin: germline.

Ambry Genetics
Classification: Likely benign for Hereditary cancer-predisposing syndrome. Last evaluated: 2020-06-26. Review status: criteria provided, single submitter. Criteria: Ambry Variant Classification Scheme 2023. Collection method: clinical testing. Allele origin: germline.